The following is an entry in ClinVar:

NM_000834.5(GRIN2B):c.2172-176A>G

Gene: GRIN2B (glutamate ionotropic receptor NMDA type subunit 2B; minus strand). Cytogenetic location: 12p13.1.
Variant type: single nucleotide variant.
Coding change: c.2172-176A>G on transcript NM_000834.5 (MANE Select); 176 bases into the intron before coding-DNA position 2172, A replaced by G.
Molecular consequence: intron variant.
Genome position (GRCh38, 1-based): chr12:13,570,193, T>C on the plus strand (A>G on the coding strand, the complement: GRIN2B is on the minus strand). VCF-style: chr12-13570193-T-C. GRCh37 (hg19) VCF-style: chr12-13723127-T-C.
Identifiers: ClinVar variation 681647 (VCV000681647.2), dbSNP rs1806194, ClinGen allele CA233136906.

ClinVar aggregate classification (germline): Benign. Review status: criteria provided, multiple submitters, no conflicts (2 of 4 stars). 2 submissions from 2 submitters: Benign (2). Last evaluated 2018-06-14.

Allele frequency attached by ClinVar (database versions not stated): 1000 Genomes Project 0.18850; 1000 Genomes Project 30x 0.19269; TOPMed 0.29809; gnomAD 0.29870 and 0.30147.
gnomAD v4.1: 45,612 of 152,162 alleles (30%); highest among the groups gnomAD compares: Middle Eastern, 50%; 8,701 homozygotes.

Submissions (2):

GeneDx
Classification: Benign. Last evaluated: 2018-06-14. Review status: criteria provided, single submitter. Criteria: GeneDx Variant Classification (06012015). Collection method: clinical testing. Allele origin: germline. Affected: yes.
Comment: This variant is considered likely benign or benign based on one or more of the following criteria: it is a conservative change, it occurs at a poorly conserved position in the protein, it is predicted to be benign by multiple in silico algorithms, and/or has population frequency not consistent with disease.

Breakthrough Genomics
Classification: Benign. Review status: criteria provided, single submitter. Criteria: ACMG Guidelines, 2015. Collection method: not provided. Allele origin: germline. Inheritance: Autosomal dominant inheritance. Affected: yes.